The following is an entry in ClinVar:

ClinVar aggregate classification (germline): Uncertain significance (1 of 4 stars; one submission).

Conditions:
Cardiovascular phenotype. Identifiers: MedGen CN230736.

Allele frequency attached by ClinVar (database versions not stated): TOPMed below 0.00001.
gnomAD v4.1: 7 of 1,542,844 alleles (0.00045%); highest among the groups gnomAD compares: African/African-American, 0.0085%; no homozygotes.

Submission:

Ambry Genetics
Classification: Uncertain significance for Cardiovascular phenotype. Last evaluated: 2024-10-19. Review status: criteria provided, single submitter. Criteria: Ambry Variant Classification Scheme 2023. Collection method: clinical testing. Allele origin: germline.
Comment: The p.S14T variant (also known as c.40T>A), located in coding exon 1 of the LMF1 gene, results from a T to A substitution at nucleotide position 40. The serine at codon 14 is replaced by threonine, an amino acid with similar properties. This amino acid position is conserved. In addition, this alteration is predicted to be tolerated by in silico analysis. Since supporting evidence is limited at this time, the clinical significance of this alteration remains unclear.

NM_022773.4(LMF1):c.40T>A (p.Ser14Thr)

Genes: LMF1 (lipase maturation factor 1; minus strand), LOC130058141 (ATAC-STARR-seq lymphoblastoid silent region 6962; plus strand). Cytogenetic location: 16p13.3.
Variant type: single nucleotide variant.
Coding change: c.40T>A on transcript NM_022773.4 (MANE Select); coding-DNA position 40, T replaced by A.
Protein change: p.Ser14Thr; replaces serine 14 with threonine.
Molecular consequence: missense variant. On other transcripts: 5 prime UTR variant (1), non-coding transcript variant (1), intron variant (3).
Genome position (GRCh38, 1-based): chr16:970,941, A>T on the plus strand (T>A on the coding strand, the complement: LMF1 is on the minus strand). VCF-style: chr16-970941-A-T. GRCh37 (hg19) VCF-style: chr16-1020941-A-T.
Other names: c.40T>A, p.Ser14Thr (NM_001352020.1); c.-666T>A (NM_001352021.2); c.-135+10204T>A (NM_001352019.2); c.-611+10204T>A (NM_001352017.2); c.-362+10204T>A (NM_001352018.2); short protein forms S14T.
Identifiers: ClinVar variation 1737845 (VCV001737845.3), dbSNP rs765733159, ClinGen allele CA276558893.
Genomic context (GRCh38, chr16:970,941, plus strand): 5'-CCGGCGCGGGCGGCGACTCAGGCTCCGGATCCGAGTACCCAGTCTTCCGCCTCCTCAGCG[A>T]CTCCGCGGGCGCCGCCATTGTTGGGCTGTCAGGGCGCATGTGCGGGGAGGGCGCACTCCC-3'
Protein context (NP_073610.2, residues 4-24): DSPTMAAPAE[Ser14Thr]LRRRKTGYSD